The following is an entry in ClinVar:

ClinVar aggregate classification (germline): Likely benign (1 of 4 stars; one submission).

Conditions:
LZTFL1-related disorder. Also called: LZTFL1-related condition.

gnomAD v4.1: 1 of 1,613,616 alleles (0.000062%); highest among the groups gnomAD compares: Non-Finnish European, 0.000085%; no homozygotes.

Submission:

PreventionGenetics, part of Exact Sciences
Classification: Likely benign for LZTFL1-related condition. Last evaluated: 2025-09-22. Review status: criteria provided, single submitter. Criteria: ACMG Guidelines, 2015. Collection method: clinical testing. Allele origin: germline.
Comment: This variant is classified as likely benign based on ACMG/AMP sequence variant interpretation guidelines (Richards et al. 2015 PMID: 25741868, with internal and published modifications).

NM_020347.4(LZTFL1):c.760C>T (p.Leu254=)

Gene: LZTFL1 (leucine zipper transcription factor like 1; minus strand). Cytogenetic location: 3p21.31.
Variant type: single nucleotide variant.
Coding change: c.760C>T on transcript NM_020347.4 (MANE Select); coding-DNA position 760, C replaced by T.
Protein change: p.Leu254=; no amino-acid change (leucine 254 retained).
Molecular consequence: synonymous variant. On other transcripts: non-coding transcript variant (2).
Genome position (GRCh38, 1-based): chr3:45,828,456, G>A on the plus strand (C>T on the coding strand, the complement: LZTFL1 is on the minus strand). VCF-style: chr3-45828456-G-A. GRCh37 (hg19) VCF-style: chr3-45869948-G-A.
Other names: c.709C>T, p.Leu237= (NM_001276378.2, NM_001386451.1, NM_001405922.1 and 4 more transcripts); c.748C>T, p.Leu250= (NM_001276379.2, NM_001405921.1); c.760C>T, p.Leu254= (NM_001386452.1); c.784C>T, p.Leu262= (NM_001405920.1, NM_001405925.1); c.694C>T, p.Leu232= (NM_001405924.1).
Identifiers: ClinVar variation 4988635 (VCV004988635.1).